The following is an entry in ClinVar:

ClinVar aggregate classification (germline): Uncertain significance (1 of 4 stars; one submission).

gnomAD v4.1: 15 of 1,548,100 alleles (0.00097%); highest among the groups gnomAD compares: African/African-American, 0.0014%; no homozygotes.

Submission:

Labcorp Genetics (formerly Invitae), Labcorp
Classification: Uncertain significance. Last evaluated: 2026-01-01. Review status: criteria provided, single submitter. Criteria: Invitae Variant Classification Sherloc (09022015). Collection method: clinical testing. Allele origin: germline.
Comment: This sequence change falls in intron 33 of the ITPR1 gene. It does not directly change the encoded amino acid sequence of the ITPR1 protein. It affects a nucleotide within the consensus splice site. This variant is not present in population databases (gnomAD no frequency). This variant has not been reported in the literature in individuals affected with ITPR1-related conditions. Variants that disrupt the consensus splice site are a relatively common cause of aberrant splicing (PMID: 17576681, 9536098). Algorithms developed to predict the effect of sequence changes on RNA splicing suggest that this variant is not likely to affect RNA splicing. In summary, the available evidence is currently insufficient to determine the role of this variant in disease. Therefore, it has been classified as a Variant of Uncertain Significance.

Literature cited by the submitters: PubMed 17576681; PubMed 9536098.

NM_001378452.1(ITPR1):c.4407+6G>A

Gene: ITPR1 (inositol 1,4,5-trisphosphate receptor type 1; plus strand). Cytogenetic location: 3p26.1.
Variant type: single nucleotide variant.
Coding change: c.4407+6G>A on transcript NM_001378452.1 (MANE Select); 6 bases into the intron after coding-DNA position 4407, G replaced by A.
Molecular consequence: intron variant.
Genome position (GRCh38, 1-based): chr3:4,697,278, G>A. VCF-style: chr3-4697278-G-A. GRCh37 (hg19) VCF-style: chr3-4738962-G-A.
Other names: c.4380+6G>A (NM_001099952.4); c.4362+6G>A (NM_001168272.2); c.4335+6G>A (NM_002222.7).
Identifiers: ClinVar variation 4781037 (VCV004781037.1).